The following is an entry in ClinVar:

ClinVar aggregate classification (germline): Uncertain significance (1 of 4 stars; one submission).

Conditions:
Cardiovascular phenotype. Identifiers: MedGen CN230736.

gnomAD v4.1: 1 of 1,614,182 alleles (0.000062%); highest among the groups gnomAD compares: Non-Finnish European, 0.000085%; no homozygotes.

Submission:

Ambry Genetics
Classification: Uncertain significance for Cardiovascular phenotype. Last evaluated: 2025-12-10. Review status: criteria provided, single submitter. Criteria: Ambry Variant Classification Scheme 2023. Collection method: clinical testing. Allele origin: germline.
Comment: The p.S605C variant (also known as c.1814C>G), located in coding exon 11 of the CBL gene, results from a C to G substitution at nucleotide position 1814. The serine at codon 605 is replaced by cysteine, an amino acid with dissimilar properties. This amino acid position is conserved. In addition, this alteration is predicted to be tolerated by in silico analysis. Based on the available evidence, the clinical significance of this variant remains unclear.

NM_005188.4(CBL):c.1814C>G (p.Ser605Cys)

Gene: CBL (Cbl proto-oncogene; plus strand). Cytogenetic location: 11q23.3.
Variant type: single nucleotide variant.
Coding change: c.1814C>G on transcript NM_005188.4 (MANE Select); coding-DNA position 1814, C replaced by G.
Protein change: p.Ser605Cys; replaces serine 605 with cysteine.
Molecular consequence: missense variant.
Genome position (GRCh38, 1-based): chr11:119,285,439, C>G. VCF-style: chr11-119285439-C-G. GRCh37 (hg19) VCF-style: chr11-119156149-C-G.
Other names: short protein forms S605C.
Identifiers: ClinVar variation 4613898 (VCV004613898.1).